The following is an entry in ClinVar:

NM_001276389.2(KIZ):c.38G>A (p.Arg13Gln)

Genes: KIZ (kizuna centrosomal protein; plus strand), LOC130065507 (ATAC-STARR-seq lymphoblastoid silent region 12713; plus strand). Cytogenetic location: 20p11.23.
Variant type: single nucleotide variant.
Coding change: c.38G>A on transcript NM_001276389.2; coding-DNA position 38, G replaced by A.
Protein change: p.Arg13Gln; replaces arginine 13 with glutamine.
Molecular consequence: missense variant.
Genome position (GRCh38, 1-based): chr20:21,126,074, G>A. VCF-style: chr20-21126074-G-A. GRCh37 (hg19) VCF-style: chr20-21106715-G-A.
Other names: short protein forms R13Q.
Identifiers: ClinVar variation 4978312 (VCV004978312.1).

ClinVar aggregate classification (germline): Likely benign (1 of 4 stars; one submission).

Conditions:
KIZ-related disorder. Also called: KIZ-related condition.

gnomAD v4.1: 17 of 1,356,924 alleles (0.0013%); highest among the groups gnomAD compares: South Asian, 0.019%; no homozygotes.

Submission:

PreventionGenetics, part of Exact Sciences
Classification: Likely benign for KIZ-related condition. Last evaluated: 2025-09-08. Review status: criteria provided, single submitter. Criteria: ACMG Guidelines, 2015. Collection method: clinical testing. Allele origin: germline.
Comment: This variant is classified as likely benign based on ACMG/AMP sequence variant interpretation guidelines (Richards et al. 2015 PMID: 25741868, with internal and published modifications).